The following is an entry in ClinVar:

NM_004859.4(CLTC):c.725C>T (p.Pro242Leu)

Gene: CLTC (clathrin heavy chain; plus strand). Cytogenetic location: 17q23.1.
Variant type: single nucleotide variant.
Coding change: c.725C>T on transcript NM_004859.4 (MANE Select); coding-DNA position 725, C replaced by T.
Protein change: p.Pro242Leu; replaces proline 242 with leucine.
Molecular consequence: missense variant.
Genome position (GRCh38, 1-based): chr17:59,651,246, C>T. VCF-style: chr17-59651246-C-T. GRCh37 (hg19) VCF-style: chr17-57728607-C-T.
Other names: c.737C>T, p.Pro246Leu (NM_001288653.2); short protein forms P246L, P242L.
Identifiers: ClinVar variation 2145957 (VCV002145957.4), dbSNP rs771995062, ClinGen allele CA8681102.

ClinVar aggregate classification (germline): Uncertain significance (1 of 4 stars; one submission).

Allele frequency attached by ClinVar (database versions not stated): gnomAD exomes below 0.00001; ExAC 0.00001.

Submission:

Labcorp Genetics (formerly Invitae), Labcorp
Classification: Uncertain significance. Last evaluated: 2023-01-05. Review status: criteria provided, single submitter. Criteria: Invitae Variant Classification Sherloc (09022015). Collection method: clinical testing. Allele origin: germline.
Comment: In summary, the available evidence is currently insufficient to determine the role of this variant in disease. Therefore, it has been classified as a Variant of Uncertain Significance. Advanced modeling of protein sequence and biophysical properties (such as structural, functional, and spatial information, amino acid conservation, physicochemical variation, residue mobility, and thermodynamic stability) performed at Invitae indicates that this missense variant is not expected to disrupt CLTC protein function. This variant has not been reported in the literature in individuals affected with CLTC-related conditions. This variant is present in population databases (rs771995062, gnomAD 0.0009%). This sequence change replaces proline, which is neutral and non-polar, with leucine, which is neutral and non-polar, at codon 246 of the CLTC protein (p.Pro246Leu).